The following is an entry in ClinVar:

ClinVar aggregate classification (germline): Uncertain significance. Review status: criteria provided, multiple submitters, no conflicts (2 of 4 stars). 2 submissions from 2 submitters: Uncertain significance (2). Last evaluated 2026-02-27.

Conditions:
Hereditary cancer-predisposing syndrome. Also called: Tumor predisposition; Hereditary Cancer Syndrome; Neoplastic Syndromes, Hereditary; Hereditary neoplastic syndrome. Identifiers: Orphanet 140162, MedGen C0027672, MeSH D009386, MONDO:0015356.
DICER1-related tumor predisposition. Also called: DICER1-related pleuropulmonary blastoma cancer predisposition syndrome; DICER1 syndrome. Identifiers: Orphanet 284343, MedGen C3839822, MONDO:0100216.

Submissions (2):

Ambry Genetics
Classification: Uncertain significance for Hereditary cancer-predisposing syndrome. Last evaluated: 2026-02-27. Review status: criteria provided, single submitter. Criteria: Ambry Variant Classification Scheme 2023. Collection method: clinical testing. Allele origin: germline.
Comment: The p.A1870S variant (also known as c.5608G>T), located in coding exon 26 of the DICER1 gene, results from a G to T substitution at nucleotide position 5608. The alanine at codon 1870 is replaced by serine, an amino acid with similar properties. This amino acid position is highly conserved in available vertebrate species. In addition, the in silico prediction for this alteration is inconclusive. Based on the available evidence, the clinical significance of this variant remains unclear.

Labcorp Genetics (formerly Invitae), Labcorp
Classification: Uncertain significance for DICER1-related tumor predisposition. Last evaluated: 2021-11-29. Review status: criteria provided, single submitter. Criteria: Invitae Variant Classification Sherloc (09022015). Collection method: clinical testing. Allele origin: germline.
Comment: This variant is not present in population databases (gnomAD no frequency). This sequence change replaces alanine, which is neutral and non-polar, with serine, which is neutral and polar, at codon 1870 of the DICER1 protein (p.Ala1870Ser). This variant has not been reported in the literature in individuals affected with DICER1-related conditions. ClinVar contains an entry for this variant (Variation ID: 477264). Algorithms developed to predict the effect of missense changes on protein structure and function (SIFT, PolyPhen-2, Align-GVGD) all suggest that this variant is likely to be tolerated. In summary, the available evidence is currently insufficient to determine the role of this variant in disease. Therefore, it has been classified as a Variant of Uncertain Significance.

NM_177438.3(DICER1):c.5608G>T (p.Ala1870Ser)

Gene: DICER1 (dicer 1, ribonuclease III; minus strand). Cytogenetic location: 14q32.13.
Variant type: single nucleotide variant.
Coding change: c.5608G>T on transcript NM_177438.3 (MANE Select); coding-DNA position 5608, G replaced by T.
Protein change: p.Ala1870Ser; replaces alanine 1870 with serine.
Molecular consequence: missense variant. On other transcripts: synonymous variant (1).
Genome position (GRCh38, 1-based): chr14:95,090,659, C>A on the plus strand (G>T on the coding strand, the complement: DICER1 is on the minus strand). VCF-style: chr14-95090659-C-A. GRCh37 (hg19) VCF-style: chr14-95556996-C-A.
Other names: c.5445G>T, p.Arg1815= (NM_001195573.1); c.5608G>T, p.Ala1870Ser (NM_001271282.3, NM_001291628.2, NM_030621.4); short protein forms A1870S.
Identifiers: ClinVar variation 477264 (VCV000477264.9), dbSNP rs1555366012, ClinGen allele CA390863818.